The following is an entry in ClinVar:

ClinVar aggregate classification (germline): Likely benign. Review status: criteria provided, multiple submitters, no conflicts (2 of 4 stars). 2 submissions from 2 submitters: Likely benign (2). Last evaluated 2022-07-15.

Conditions:
Primary dilated cardiomyopathy (DCM). Also called: Dilated Cardiomyopathy. Identifiers: Orphanet 217604, MedGen C0007193, MeSH D002311, MONDO:0005021, HP:0001644. Inheritance: Various modes of inheritance.

Allele frequency attached by ClinVar (database versions not stated): gnomAD 0.00001; TOPMed 0.00002.
gnomAD v4.1: 107 of 1,612,790 alleles (0.0066%); highest among the groups gnomAD compares: Non-Finnish European, 0.0089%; no homozygotes.

Submissions (2):

Labcorp Genetics (formerly Invitae), Labcorp
Classification: Likely benign for Primary dilated cardiomyopathy. Last evaluated: 2022-07-15. Review status: criteria provided, single submitter. Criteria: Invitae Variant Classification Sherloc (09022015). Collection method: clinical testing. Allele origin: germline.

GeneDx
Classification: Likely benign. Last evaluated: 2017-01-23. Review status: criteria provided, single submitter. Criteria: GeneDx Variant Classification (06012015). Collection method: clinical testing. Allele origin: germline. Affected: yes.
Comment: This variant is considered likely benign or benign based on one or more of the following criteria: it is a conservative change, it occurs at a poorly conserved position in the protein, it is predicted to be benign by multiple in silico algorithms, and/or has population frequency not consistent with disease.

NM_006440.5(TXNRD2):c.172+20C>A

Gene: TXNRD2 (thioredoxin reductase 2; minus strand). Cytogenetic location: 22q11.21.
Variant type: single nucleotide variant.
Coding change: c.172+20C>A on transcript NM_006440.5 (MANE Select); 20 bases into the intron after coding-DNA position 172, C replaced by A.
Molecular consequence: intron variant.
Genome position (GRCh38, 1-based): chr22:19,931,010, G>T on the plus strand (C>A on the coding strand, the complement: TXNRD2 is on the minus strand). VCF-style: chr22-19931010-G-T. GRCh37 (hg19) VCF-style: chr22-19918533-G-T.
Other names: c.169+20C>A (NM_001352300.2); c.-117+20C>A (NM_001352302.2); c.82+20C>A (NM_001352301.2); c.172+20C>A (NM_001282512.3); c.76+20C>A (NM_001352303.2).
Identifiers: ClinVar variation 506880 (VCV000506880.9), dbSNP rs760016716, ClinGen allele CA638368830.
Genomic context (GRCh38, chr22:19,931,010, plus strand): 5'-GACGTTTTCTGGACAGCACCACCCTCTCTAGGGGCCCTAAAAGCTTCGAGGCCTTGCCAC[G>T]AAGTATACAGAATACATACCCTCCTTGGCACAAGCCAGGCCACCAGATCCCCCGCCGACC-3'